The following is an entry in ClinVar:

ClinVar aggregate classification (germline): Pathogenic. Review status: criteria provided, multiple submitters, no conflicts (2 of 4 stars). 2 submissions from 2 submitters: Pathogenic (2). Last evaluated 2025-06-26.

Conditions:
Developmental and epileptic encephalopathy, 42 (DEE42A). Also called: Epileptic encephalopathy, early infantile, 42; DEVELOPMENTAL AND EPILEPTIC ENCEPHALOPATHY 42A; EPILEPTIC ENCEPHALOPATHY, EARLY INFANTILE, 42A. Identifiers: MedGen C4310716, MONDO:0014917, OMIM 617106.
Episodic ataxia type 2 (EA2). Also called: CEREBELLAR ATAXIA, PAROXYSMAL, ACETAZOLAMIDE-RESPONSIVE; CEREBELLOPATHY, HEREDITARY PAROXYSMAL; EPISODIC ATAXIA, NYSTAGMUS-ASSOCIATED; ATAXIA, EPISODIC, WITH NYSTAGMUS; ATAXIA, FAMILIAL PAROXYSMAL; ACETAZOLAMIDE-RESPONSIVE HEREDITARY PAROXYSMAL CEREBELLAR ATAXIA. Identifiers: Orphanet 97, MedGen C1720416, MONDO:0007163, OMIM 108500.

Submissions (2):

GeneDx
Classification: Pathogenic. Last evaluated: 2025-06-26. Review status: criteria provided, single submitter. Criteria: GeneDx Variant Classification Process June 2021. Collection method: clinical testing. Allele origin: germline. Affected: yes.
Comment: Frameshift variant predicted to result in protein truncation or nonsense mediated decay in a gene for which loss of function is a known mechanism of disease; Not observed at significant frequency in large population cohorts (gnomAD); This variant is associated with the following publications: (PMID: 27066515)

Labcorp Genetics (formerly Invitae), Labcorp
Classification: Pathogenic for Developmental and epileptic encephalopathy, 42; Episodic ataxia type 2. Last evaluated: 2024-12-18. Review status: criteria provided, single submitter. Criteria: Invitae Variant Classification Sherloc (09022015). Collection method: clinical testing. Allele origin: germline.
Comment: This sequence change creates a premature translational stop signal (p.Thr310Phefs*5) in the CACNA1A gene. It is expected to result in an absent or disrupted protein product. Loss-of-function variants in CACNA1A are known to be pathogenic (PMID: 10371528, 19486177, 25735478, 27250579). This variant is not present in population databases (gnomAD no frequency). This premature translational stop signal has been observed in individual(s) with clinical features of episodic ataxia type 2 (PMID: 27066515). ClinVar contains an entry for this variant (Variation ID: 660404). For these reasons, this variant has been classified as Pathogenic.

Literature cited by the submitters: PubMed 10371528 (cited by Labcorp Genetics (formerly Invitae), Labcorp); PubMed 19486177 (cited by Labcorp Genetics (formerly Invitae), Labcorp); PubMed 25735478 (cited by Labcorp Genetics (formerly Invitae), Labcorp); PubMed 27250579 (cited by Labcorp Genetics (formerly Invitae), Labcorp); PubMed 27066515 (cited by Labcorp Genetics (formerly Invitae), Labcorp).

NM_001127222.2(CACNA1A):c.928_931del (p.Thr310fs)

Gene: CACNA1A (calcium voltage-gated channel subunit alpha1 A; minus strand). Cytogenetic location: 19p13.13.
Variant type: Deletion.
Coding change: c.928_931del on transcript NM_001127222.2 (MANE Select); coding-DNA positions 928 to 931, 4 bases deleted (ACTG; older notation c.928_931delACTG).
Protein change: p.Thr310fs; shifts the reading frame from threonine 310.
Molecular consequence: frameshift variant.
Genome position (GRCh38, 1-based): chr19:13,359,653-13,359,656, CAGT deleted on the plus strand (ACTG on the coding strand, the reverse complement: CACNA1A is on the minus strand); deleting any 4 consecutive bases within chr19:13,359,653-13,359,659 gives the same sequence; the c. name uses the placement nearest the transcript's 3' end. VCF-style (leftmost placement, unchanged base first): chr19-13359652-ACAGT-A. GRCh37 (hg19) VCF-style: chr19-13470466-ACAGT-A.
Other names: c.928_931del, p.Thr310fs (NM_000068.4, NM_001127221.2, NM_001174080.2 and 1 more transcripts); short protein forms T310fs.
Identifiers: ClinVar variation 660404 (VCV000660404.12), dbSNP rs1599276830, ClinGen allele CA915952912.